The following is an entry in ClinVar:

ClinVar aggregate classification (germline): Uncertain significance. Review status: criteria provided, multiple submitters, no conflicts (2 of 4 stars). 2 submissions from 2 submitters: Uncertain significance (2). Last evaluated 2024-06-06.

Conditions:
Cardiovascular phenotype. Identifiers: MedGen CN230736.
Arrhythmogenic cardiomyopathy with wooly hair and keratoderma. Also called: Dilated cardiomyopathy with woolly hair and keratoderma; Arrhythmogenic cardiomyopathy with woolly hair and keratoderma; PALMOPLANTAR KERATODERMA WITH LEFT VENTRICULAR CARDIOMYOPATHY AND WOOLLY HAIR; Carvajal syndrome. Identifiers: Orphanet 65282, MedGen C1854063, MONDO:0011581, OMIM 605676.
Arrhythmogenic right ventricular dysplasia 8 (ARVD8). Also called: Arrhythmogenic Right Ventricular Dysplasia/Cardiomyopathy 8; ARRHYTHMOGENIC RIGHT VENTRICULAR DYSPLASIA, FAMILIAL, 8; ARRHYTHMOGENIC RIGHT VENTRICULAR CARDIOMYOPATHY 8. Identifiers: MedGen C1843896, MONDO:0011831, OMIM 607450.

Allele frequency attached by ClinVar (database versions not stated): gnomAD exomes below 0.00001.
gnomAD v4.1: 3 of 1,614,114 alleles (0.00019%); highest among the groups gnomAD compares: Non-Finnish European, 0.00025%; no homozygotes.

Submissions (2):

Ambry Genetics
Classification: Uncertain significance for Cardiovascular phenotype. Last evaluated: 2024-06-06. Review status: criteria provided, single submitter. Criteria: Ambry Variant Classification Scheme 2023. Collection method: clinical testing. Allele origin: germline.
Comment: The p.G2362S variant (also known as c.7084G>A), located in coding exon 24 of the DSP gene, results from a G to A substitution at nucleotide position 7084. The glycine at codon 2362 is replaced by serine, an amino acid with similar properties. This amino acid position is conserved. In addition, the in silico prediction for this alteration is inconclusive. Based on the available evidence, the clinical significance of this variant remains unclear.

Labcorp Genetics (formerly Invitae), Labcorp
Classification: Uncertain significance for Arrhythmogenic cardiomyopathy with wooly hair and keratoderma; Arrhythmogenic right ventricular dysplasia 8. Last evaluated: 2023-07-28. Review status: criteria provided, single submitter. Criteria: Invitae Variant Classification Sherloc (09022015). Collection method: clinical testing. Allele origin: germline.
Comment: This sequence change replaces glycine, which is neutral and non-polar, with serine, which is neutral and polar, at codon 2362 of the DSP protein (p.Gly2362Ser). This variant is not present in population databases (gnomAD no frequency). In summary, the available evidence is currently insufficient to determine the role of this variant in disease. Therefore, it has been classified as a Variant of Uncertain Significance. An algorithm developed to predict the effect of missense changes on protein structure and function (PolyPhen-2) suggests that this variant is likely to be disruptive. This variant has not been reported in the literature in individuals affected with DSP-related conditions.

NM_004415.4(DSP):c.7084G>A (p.Gly2362Ser)

Gene: DSP (desmoplakin; plus strand). Cytogenetic location: 6p24.3.
Variant type: single nucleotide variant.
Coding change: c.7084G>A on transcript NM_004415.4 (MANE Select); coding-DNA position 7084, G replaced by A.
Protein change: p.Gly2362Ser; replaces glycine 2362 with serine.
Molecular consequence: missense variant.
Genome position (GRCh38, 1-based): chr6:7,584,346, G>A. VCF-style: chr6-7584346-G-A. GRCh37 (hg19) VCF-style: chr6-7584579-G-A.
Other names: c.5287G>A, p.Gly1763Ser (NM_001008844.3); c.5755G>A, p.Gly1919Ser (NM_001319034.2); short protein forms G1763S, G1919S, G2362S.
Identifiers: ClinVar variation 2924423 (VCV002924423.4), dbSNP rs2533943846, ClinGen allele CA362692200.